The following is an entry in ClinVar:

ClinVar aggregate classification (germline): Uncertain significance (1 of 4 stars; one submission).

Conditions:
Inborn genetic diseases. Identifiers: MedGen C0950123, MeSH D030342.

Submission:

Ambry Genetics
Classification: Uncertain significance for Inborn genetic diseases. Last evaluated: 2025-04-18. Review status: criteria provided, single submitter. Criteria: Ambry Variant Classification Scheme 2023. Collection method: clinical testing. Allele origin: germline.
Comment: The p.H1659Y variant (also known as c.4975C>T), located in coding exon 20 of the FANCM gene, results from a C to T substitution at nucleotide position 4975. The histidine at codon 1659 is replaced by tyrosine, an amino acid with similar properties. This amino acid position is conserved. In addition, this alteration is predicted to be tolerated by in silico analysis. Based on the available evidence, the clinical significance of this variant remains unclear.

NM_020937.4(FANCM):c.4975C>T (p.His1659Tyr)

Gene: FANCM (FA complementation group M; plus strand). Cytogenetic location: 14q21.2.
Variant type: single nucleotide variant.
Coding change: c.4975C>T on transcript NM_020937.4 (MANE Select); coding-DNA position 4975, C replaced by T.
Protein change: p.His1659Tyr; replaces histidine 1659 with tyrosine.
Molecular consequence: missense variant.
Genome position (GRCh38, 1-based): chr14:45,188,997, C>T. VCF-style: chr14-45188997-C-T. GRCh37 (hg19) VCF-style: chr14-45658200-C-T.
Other names: c.4897C>T, p.His1633Tyr (NM_001308133.2); short protein forms H1633Y, H1659Y.
Identifiers: ClinVar variation 4022705 (VCV004022705.1).